The following is an entry in ClinVar:

NM_005989.4(AKR1D1):c.919C>T (p.Arg307Cys)

Gene: AKR1D1 (aldo-keto reductase family 1 member D1; plus strand). Cytogenetic location: 7q33.
Variant type: single nucleotide variant.
Coding change: c.919C>T on transcript NM_005989.4 (MANE Select); coding-DNA position 919, C replaced by T.
Protein change: p.Arg307Cys; replaces arginine 307 with cysteine.
Molecular consequence: missense variant. On other transcripts: intron variant (1).
Genome position (GRCh38, 1-based): chr7:138,113,753, C>T. VCF-style: chr7-138113753-C-T. GRCh37 (hg19) VCF-style: chr7-137798499-C-T.
Other names: c.796C>T, p.Arg266Cys (NM_001190906.2); c.856-2867C>T (NM_001190907.2); short protein forms R266C, R307C.
Identifiers: ClinVar variation 2910216 (VCV002910216.4), dbSNP rs1337598962, ClinGen allele CA369363902.
Genomic context (GRCh38, chr7:138,113,753, plus strand): 5'-TTTGACTTTTCTCTCACTGAAGAAGAAATGAAGGACATTGAAGCCTTGAATAAAAATGTC[C>T]GCTTTGTAGAATTGCTCATGTAAGTTCCGGGGATCATTAATGGGTATTGACCAGTGGTAT-3'
Protein context (NP_005980.1, residues 297-317): KDIEALNKNV[Arg307Cys]FVELLMWRDH

ClinVar aggregate classification (germline): Likely pathogenic. Review status: criteria provided, multiple submitters, no conflicts (2 of 4 stars). 2 submissions from 2 submitters: Likely pathogenic (2). Last evaluated 2025-03-07.

Conditions:
Congenital bile acid synthesis defect 2 (CBAS2). Also called: CHOLESTASIS WITH DELTA(4)-3-OXOSTEROID 5-BETA-REDUCTASE DEFICIENCY. Identifiers: Orphanet 79303, MedGen C1856127, MONDO:0009339, OMIM 235555.

Submissions (2):

Women's Health and Genetics/Laboratory Corporation of America, LabCorp
Classification: Likely pathogenic for Congenital bile acid synthesis defect 2. Last evaluated: 2025-03-07. Review status: criteria provided, single submitter. Criteria: LabCorp Variant Classification Summary - May 2015. Collection method: clinical testing. Allele origin: germline.
Comment: Variant summary: AKR1D1 c.919C>T (p.Arg307Cys) results in a non-conservative amino acid change in the encoded protein sequence. Five of five in-silico tools predict a damaging effect of the variant on protein function. The variant allele was found at a frequency of 4e-06 in 251338 control chromosomes. c.919C>T has been reported in the literature in individuals affected with Congenital bile acid synthesis defect 2 (Zhang_2019, Wang_2018). These data indicate that the variant is likely to be associated with disease. To our knowledge, no experimental evidence demonstrating an impact on protein function has been reported. The following publications have been ascertained in the context of this evaluation (PMID: 30254413, 30809085). ClinVar contains an entry for this variant (Variation ID: 2910216). Based on the evidence outlined above, the variant was classified as likely pathogenic.

Labcorp Genetics (formerly Invitae), Labcorp
Classification: Likely pathogenic. Last evaluated: 2023-02-15. Review status: criteria provided, single submitter. Criteria: Invitae Variant Classification Sherloc (09022015). Collection method: clinical testing. Allele origin: germline.
Comment: In summary, the currently available evidence indicates that the variant is pathogenic, but additional data are needed to prove that conclusively. Therefore, this variant has been classified as Likely Pathogenic. This sequence change replaces arginine, which is basic and polar, with cysteine, which is neutral and slightly polar, at codon 307 of the AKR1D1 protein (p.Arg307Cys). This variant is present in population databases (no rsID available, gnomAD 0.005%). This missense change has been observed in individual(s) with congenital bile acid synthesis defect (PMID: 30254413, 30809085). In at least one individual the data is consistent with being in trans (on the opposite chromosome) from a pathogenic variant. An algorithm developed to predict the effect of missense changes on protein structure and function (PolyPhen-2) suggests that this variant is likely to be disruptive.

Literature cited by the submitters: PubMed 30809085 (cited by Women's Health and Genetics/Laboratory Corporation of America, LabCorp and Labcorp Genetics (formerly Invitae), Labcorp); PubMed 30254413 (cited by Women's Health and Genetics/Laboratory Corporation of America, LabCorp and Labcorp Genetics (formerly Invitae), Labcorp).